The following is an entry in ClinVar:

ClinVar aggregate classification (germline): Uncertain significance (1 of 4 stars; one submission).

Submission:

Ambry Genetics
Classification: Uncertain significance. Last evaluated: 2022-04-22. Review status: criteria provided, single submitter. Criteria: Ambry Variant Classification Scheme 2023. Collection method: clinical testing. Allele origin: germline.
Comment: The p.G2178R variant (also known as c.6532G>A), located in coding exon 49 of the PRKDC gene, results from a G to A substitution at nucleotide position 6532. The glycine at codon 2178 is replaced by arginine, an amino acid with dissimilar properties. This amino acid position is conserved. In addition, this alteration is predicted to be tolerated by in silico analysis. Since supporting evidence is limited at this time, the clinical significance of this alteration remains unclear.

NM_006904.7(PRKDC):c.6532G>A (p.Gly2178Arg)

Gene: PRKDC (protein kinase, DNA-activated, catalytic subunit; minus strand). Cytogenetic location: 8q11.21.
Variant type: single nucleotide variant.
Coding change: c.6532G>A on transcript NM_006904.7 (MANE Select); coding-DNA position 6532, G replaced by A.
Protein change: p.Gly2178Arg; replaces glycine 2178 with arginine.
Molecular consequence: missense variant.
Genome position (GRCh38, 1-based): chr8:47,857,233, C>T on the plus strand (G>A on the coding strand, the complement: PRKDC is on the minus strand). VCF-style: chr8-47857233-C-T. GRCh37 (hg19) VCF-style: chr8-48769794-C-T.
Other names: c.6532G>A, p.Gly2178Arg (NM_001081640.2); short protein forms G2178R.
Identifiers: ClinVar variation 1754080 (VCV001754080.2), dbSNP rs2551869744, ClinGen allele CA371160132.